The following is an entry in ClinVar:

NM_001261826.3(AP3D1):c.740C>T (p.Ala247Val)

Gene: AP3D1 (adaptor related protein complex 3 subunit delta 1; minus strand). Cytogenetic location: 19p13.3.
Variant type: single nucleotide variant.
Coding change: c.740C>T on transcript NM_001261826.3 (MANE Select); coding-DNA position 740, C replaced by T.
Protein change: p.Ala247Val; replaces alanine 247 with valine.
Molecular consequence: missense variant.
Genome position (GRCh38, 1-based): chr19:2,129,156, G>A on the plus strand (C>T on the coding strand, the complement: AP3D1 is on the minus strand). VCF-style: chr19-2129156-G-A. GRCh37 (hg19) VCF-style: chr19-2129155-G-A.
Other names: c.740C>T, p.Ala247Val (NM_001374799.1, NM_003938.8); c.740C>T (NM_003938.5); short protein forms A247V.
Identifiers: ClinVar variation 2855981 (VCV002855981.4), dbSNP rs761137640, ClinGen allele CA9059590.

ClinVar aggregate classification (germline): Uncertain significance. Review status: criteria provided, multiple submitters, no conflicts (2 of 4 stars). 2 submissions from 2 submitters: Uncertain significance (2). Last evaluated 2025-06-07.

Conditions:
Inborn genetic diseases. Identifiers: MedGen C0950123, MeSH D030342.

Allele frequency attached by ClinVar (database versions not stated): gnomAD exomes below 0.00001; TOPMed below 0.00001; ExAC 0.00002.
gnomAD v4.1: 2 of 1,603,454 alleles (0.00012%); highest among the groups gnomAD compares: Non-Finnish European, 0.00017%; no homozygotes.

Submissions (2):

Ambry Genetics
Classification: Uncertain significance for Inborn genetic diseases. Last evaluated: 2025-06-07. Review status: criteria provided, single submitter. Criteria: Ambry Variant Classification Scheme 2023. Collection method: clinical testing. Allele origin: germline.

Labcorp Genetics (formerly Invitae), Labcorp
Classification: Uncertain significance. Last evaluated: 2023-10-23. Review status: criteria provided, single submitter. Criteria: Invitae Variant Classification Sherloc (09022015). Collection method: clinical testing. Allele origin: germline.
Comment: This sequence change replaces alanine, which is neutral and non-polar, with valine, which is neutral and non-polar, at codon 247 of the AP3D1 protein (p.Ala247Val). The frequency data for this variant in the population databases is considered unreliable, as metrics indicate poor data quality at this position in the gnomAD database. This variant has not been reported in the literature in individuals affected with AP3D1-related conditions. An algorithm developed to predict the effect of missense changes on protein structure and function (PolyPhen-2) suggests that this variant is likely to be disruptive. In summary, the available evidence is currently insufficient to determine the role of this variant in disease. Therefore, it has been classified as a Variant of Uncertain Significance.